The following is an entry in ClinVar:

NM_000321.3(RB1):c.1564A>T (p.Asn522Tyr)

Gene: RB1 (RB transcriptional corepressor 1; plus strand). Cytogenetic location: 13q14.2.
Variant type: single nucleotide variant.
Coding change: c.1564A>T on transcript NM_000321.3 (MANE Select); coding-DNA position 1564, A replaced by T.
Protein change: p.Asn522Tyr; replaces asparagine 522 with tyrosine.
Molecular consequence: missense variant.
Genome position (GRCh38, 1-based): chr13:48,381,312, A>T. VCF-style: chr13-48381312-A-T. GRCh37 (hg19) VCF-style: chr13-48955448-A-T.
Other names: c.1564A>T, p.Asn522Tyr (NM_001407165.1, NM_001407166.1); short protein forms N522Y.
Identifiers: ClinVar variation 5027976 (VCV005027976.1).

ClinVar aggregate classification (germline): Uncertain significance (1 of 4 stars; one submission).

Conditions:
Hereditary cancer-predisposing syndrome. Also called: Neoplastic Syndromes, Hereditary; Tumor predisposition; Hereditary neoplastic syndrome; Hereditary Cancer Syndrome. Identifiers: Orphanet 140162, MedGen C0027672, MeSH D009386, MONDO:0015356.

Submission:

Ambry Genetics
Classification: Uncertain significance for Hereditary cancer-predisposing syndrome. Last evaluated: 2026-08-08. Review status: criteria provided, single submitter. Criteria: Ambry Variant Classification Scheme 2023. Collection method: clinical testing. Allele origin: germline.
Comment: The p.N522Y variant (also known as c.1564A>T), located in coding exon 17 of the RB1 gene, results from an A to T substitution at nucleotide position 1564. The asparagine at codon 522 is replaced by tyrosine, an amino acid with dissimilar properties. This amino acid position is conserved. In addition, the in silico prediction for this alteration is inconclusive. Based on the available evidence, the clinical significance of this variant remains unclear.